The following is an entry in ClinVar:

ClinVar aggregate classification (germline): Uncertain significance (1 of 4 stars; one submission).

Conditions:
Congenital contractural arachnodactyly (CCA). Also called: BEALS SYNDROME; Beals-Hecht syndrome; Arthrogryposis, distal, type 9. Identifiers: Orphanet 115, MedGen C0220668, MONDO:0007363, OMIM 121050.

Submission:

Labcorp Genetics (formerly Invitae), Labcorp
Classification: Uncertain significance for Congenital contractural arachnodactyly. Last evaluated: 2022-03-12. Review status: criteria provided, single submitter. Criteria: Invitae Variant Classification Sherloc (09022015). Collection method: clinical testing. Allele origin: germline.
Comment: In summary, the available evidence is currently insufficient to determine the role of this variant in disease. Therefore, it has been classified as a Variant of Uncertain Significance. Algorithms developed to predict the effect of missense changes on protein structure and function (SIFT, PolyPhen-2, Align-GVGD) all suggest that this variant is likely to be tolerated. This variant has not been reported in the literature in individuals affected with FBN2-related conditions. This variant is not present in population databases (gnomAD no frequency). This sequence change replaces valine, which is neutral and non-polar, with alanine, which is neutral and non-polar, at codon 2789 of the FBN2 protein (p.Val2789Ala).

NM_001999.4(FBN2):c.8366T>C (p.Val2789Ala)

Gene: FBN2 (fibrillin 2; minus strand). Cytogenetic location: 5q23.3.
Variant type: single nucleotide variant.
Coding change: c.8366T>C on transcript NM_001999.4 (MANE Select); coding-DNA position 8366, T replaced by C.
Protein change: p.Val2789Ala; replaces valine 2789 with alanine.
Molecular consequence: missense variant.
Genome position (GRCh38, 1-based): chr5:128,259,828, A>G on the plus strand (T>C on the coding strand, the complement: FBN2 is on the minus strand). VCF-style: chr5-128259828-A-G. GRCh37 (hg19) VCF-style: chr5-127595520-A-G.
Other names: short protein forms V2789A.
Identifiers: ClinVar variation 2101173 (VCV002101173.4), dbSNP rs2479601292, ClinGen allele CA360746148.
Genomic context (GRCh38, chr5:128,259,828, plus strand): 5'-AGGTTGAACTTCATGTTGACGGGGCTGTCCATGTCGACACTCTCTAGGCTGATCTGTTCA[A>G]CCTGGAGGAAGAACAGGAAATGATTTGGGACAAGCTTCTACAGCACAAGCAGAGGACTAG-3'
Protein context (NP_001990.2, residues 2779-2799): RSIHEPDPTA[Val2789Ala]EQISLESVDM